The following is an entry in ClinVar:

NM_024514.5(CYP2R1):c.391C>T (p.Arg131Ter)

Genes: CYP2R1 (cytochrome P450 family 2 subfamily R member 1; minus strand), PDE3B (phosphodiesterase 3B; plus strand). Cytogenetic location: 11p15.2.
Variant type: single nucleotide variant.
Coding change: c.391C>T on transcript NM_024514.5 (MANE Select); coding-DNA position 391, C replaced by T.
Protein change: p.Arg131Ter; replaces arginine 131 with a stop codon.
Molecular consequence: nonsense. On other transcripts: non-coding transcript variant (6), intron variant (5).
Genome position (GRCh38, 1-based): chr11:14,880,745, G>A on the plus strand (C>T on the coding strand, the complement: CYP2R1 is on the minus strand). VCF-style: chr11-14880745-G-A. GRCh37 (hg19) VCF-style: chr11-14902291-G-A.
Other names: c.46C>T, p.Arg16Ter (NM_001377214.1, NM_001377215.1, NM_001377216.1 and 5 more transcripts); c.229C>T, p.Arg77Ter (NM_001377217.1); c.23-1302C>T (NM_001400566.1); c.78-386C>T (NM_001400562.1, NM_001400564.1, NM_001400565.1 and 1 more transcripts); c.247C>T, p.Arg83Ter (NM_001400567.1); c.346C>T, p.Arg116Ter (NM_001400568.1); short protein forms R83*, R131*, R16*, R77*, R116*.
Identifiers: ClinVar variation 1926241 (VCV001926241.6), dbSNP rs781823033, ClinGen allele CA5896691.

ClinVar aggregate classification (germline): Pathogenic. Review status: criteria provided, multiple submitters, no conflicts (2 of 4 stars). 2 submissions from 2 submitters: Pathogenic (2). Last evaluated 2025-08-08.

Allele frequency attached by ClinVar (database versions not stated): ExAC 0.00001; gnomAD exomes 0.00001; gnomAD 0.00002; TOPMed 0.00003.
gnomAD v4.1: 16 of 1,607,288 alleles (0.001%); highest among the groups gnomAD compares: Middle Eastern, 0.017%; no homozygotes.

Submissions (2):

Labcorp Genetics (formerly Invitae), Labcorp
Classification: Pathogenic. Last evaluated: 2025-08-08. Review status: criteria provided, single submitter. Criteria: Invitae Variant Classification Sherloc (09022015). Collection method: clinical testing. Allele origin: germline.
Comment: This sequence change creates a premature translational stop signal (p.Arg131*) in the CYP2R1 gene. It is expected to result in an absent or disrupted protein product. Loss-of-function variants in CYP2R1 are known to be pathogenic (PMID: 15128933, 22855339, 25942481, 33715104). This variant is present in population databases (rs781823033, gnomAD 0.004%). This variant has not been reported in the literature in individuals affected with CYP2R1-related conditions. ClinVar contains an entry for this variant (Variation ID: 1926241). For these reasons, this variant has been classified as Pathogenic.

Dasa
Classification: Pathogenic. Last evaluated: 2024-06-28. Review status: criteria provided, single submitter. Criteria: DASA Assertion Criteria. Collection method: clinical testing. Allele origin: germline.
Comment: NM_024514.5(CYP2R1):c.391C>T (p.Arg131*) introduces a premature termination codon predicted to result in loss of normal protein function. Loss-of-function is an established mechanism of disease for this gene. Based on the available data, this variant is classified as pathogenic.

Literature cited by the submitters: PubMed 15128933 (cited by Labcorp Genetics (formerly Invitae), Labcorp); PubMed 22855339 (cited by Labcorp Genetics (formerly Invitae), Labcorp); PubMed 25942481 (cited by Labcorp Genetics (formerly Invitae), Labcorp); PubMed 33715104 (cited by Labcorp Genetics (formerly Invitae), Labcorp).